The following is an entry in ClinVar:

ClinVar aggregate classification (germline): Uncertain significance (1 of 4 stars; one submission).

Conditions:
Inborn genetic diseases. Identifiers: MedGen C0950123, MeSH D030342.

Submission:

Ambry Genetics
Classification: Uncertain significance for Inborn genetic diseases. Last evaluated: 2026-08-12. Review status: criteria provided, single submitter. Criteria: Ambry Variant Classification Scheme 2023. Collection method: clinical testing. Allele origin: germline.
Comment: The c.827C>T (p.S276L) alteration is located in exon 8 (coding exon 7) of the ATP5A1 gene. This alteration results from a C to T substitution at nucleotide position 827, causing the serine (S) at amino acid position 276 to be replaced by a leucine (L). Based on data from gnomAD, the T allele has an overall frequency of 0.001% (2/251370) total alleles studied. The highest observed frequency was 0.002% (2/113704) of European (non-Finnish) alleles. Based on insufficient or conflicting evidence, the clinical significance of this alteration remains unclear.

NM_004046.6(ATP5F1A):c.827C>T (p.Ser276Leu)

Gene: ATP5F1A (ATP synthase F1 subunit alpha; minus strand). Cytogenetic location: 18q21.1.
Variant type: single nucleotide variant.
Coding change: c.827C>T on transcript NM_004046.6 (MANE Select); coding-DNA position 827, C replaced by T.
Protein change: p.Ser276Leu; replaces serine 276 with leucine.
Molecular consequence: missense variant.
Genome position (GRCh38, 1-based): chr18:46,087,465, G>A on the plus strand (C>T on the coding strand, the complement: ATP5F1A is on the minus strand). VCF-style: chr18-46087465-G-A. GRCh37 (hg19) VCF-style: chr18-43667431-G-A.
Other names: c.677C>T, p.Ser226Leu (NM_001001935.3, NM_001257335.2); c.827C>T, p.Ser276Leu (NM_001001937.2); c.761C>T, p.Ser254Leu (NM_001257334.2); short protein forms S226L, S254L, S276L.
Identifiers: ClinVar variation 5032365 (VCV005032365.1).